The following is an entry in ClinVar:

NM_000090.4(COL3A1):c.3229G>A (p.Gly1077Ser)

Gene: COL3A1 (collagen type III alpha 1 chain; plus strand). Cytogenetic location: 2q32.2.
Variant type: single nucleotide variant.
Coding change: c.3229G>A on transcript NM_000090.4 (MANE Select); coding-DNA position 3229, G replaced by A.
Protein change: p.Gly1077Ser; replaces glycine 1077 with serine.
Molecular consequence: missense variant.
Genome position (GRCh38, 1-based): chr2:189,006,964, G>A. VCF-style: chr2-189006964-G-A. GRCh37 (hg19) VCF-style: chr2-189871690-G-A.
Other names: short protein forms G1077S.
Identifiers: ClinVar variation 263685 (VCV000263685.11), dbSNP rs886038892, ClinGen allele CA10587541.

ClinVar aggregate classification (germline): Pathogenic/Likely pathogenic. Review status: criteria provided, multiple submitters, no conflicts (2 of 4 stars). 4 submissions from 4 submitters: Pathogenic (1); Likely pathogenic (3). Last evaluated 2024-10-05.

Conditions:
Cardiovascular phenotype. Identifiers: MedGen CN230736.
Ehlers-Danlos syndrome, type 4 (EDSVASC). Also called: Ehlers-Danlos syndrome vascular type; Ehlers Danlos syndrome, ecchymotic type; Ehlers Danlos syndrome, arterial type; Ehlers Danlos syndrome, Sack-Barabas type; Ehlers-Danlos Syndrome Type IV. Identifiers: Orphanet 286, MedGen C0268338, MONDO:0017314, OMIM 130050.

Submissions (4):

Labcorp Genetics (formerly Invitae), Labcorp
Classification: Pathogenic for Ehlers-Danlos syndrome, type 4. Last evaluated: 2024-10-05. Review status: criteria provided, single submitter. Criteria: Invitae Variant Classification Sherloc (09022015). Collection method: clinical testing. Allele origin: germline.
Comment: This sequence change replaces glycine, which is neutral and non-polar, with serine, which is neutral and polar, at codon 1077 of the COL3A1 protein (p.Gly1077Ser). This variant is not present in population databases (gnomAD no frequency). This missense change has been observed in individual(s) with Ehlers-Danlos syndrome, vascular type (PMID: 31600821). ClinVar contains an entry for this variant (Variation ID: 263685). Invitae Evidence Modeling of protein sequence and biophysical properties (such as structural, functional, and spatial information, amino acid conservation, physicochemical variation, residue mobility, and thermodynamic stability) indicates that this missense variant is expected to disrupt COL3A1 protein function with a positive predictive value of 95%. This variant disrupts the triple helix domain of COL3A1. Glycine residues within the Gly-Xaa-Yaa repeats of the triple helix domain are required for the structure and stability of fibrillar collagens (PMID: 7695699, 8218237, 19344236). In COL3A1, variants that affect these glycine residues are significantly enriched in individuals with disease (PMID: 24922459, 25758994) compared to the general population (ExAC). For these reasons, this variant has been classified as Pathogenic.

Centre of Medical Genetics, University Hospital Muenster
Classification: Likely pathogenic. Last evaluated: 2021-12-21. Review status: criteria provided, single submitter. Criteria: ACMG Guidelines, 2015. Collection method: clinical testing. Allele origin: unknown. Affected: yes. Observed: 1 variant allele, 1 heterozygote.
Comment: ACMG categories: PM1,PM2,PM5,PP2,PP3,PP5

Institute of Medical Genetics and Applied Genomics, University Hospital Tübingen
Classification: Likely pathogenic. Last evaluated: 2020-10-23. Review status: criteria provided, single submitter. Criteria: ACMG Guidelines, 2015. Collection method: clinical testing. Allele origin: germline. Inheritance: Unknown mechanism. Affected: yes.

Ambry Genetics
Classification: Likely pathogenic for Cardiovascular phenotype. Last evaluated: 2013-06-24. Review status: criteria provided, single submitter. Criteria: Ambry Autosomal Dominant and X-Linked criteria (10/2015). Collection method: clinical testing. Allele origin: germline. Observed: 1 variant allele.

Literature cited by the submitters: PubMed 31600821 (cited by Labcorp Genetics (formerly Invitae), Labcorp); PubMed 7695699 (cited by Labcorp Genetics (formerly Invitae), Labcorp); PubMed 8218237 (cited by Labcorp Genetics (formerly Invitae), Labcorp); PubMed 19344236 (cited by Labcorp Genetics (formerly Invitae), Labcorp); PubMed 24922459 (cited by Labcorp Genetics (formerly Invitae), Labcorp); PubMed 25758994 (cited by Labcorp Genetics (formerly Invitae), Labcorp).